The following is an entry in ClinVar:

NM_004655.4(AXIN2):c.715T>G (p.Phe239Val)

Gene: AXIN2 (axin 2; minus strand). Cytogenetic location: 17q24.1.
Variant type: single nucleotide variant.
Coding change: c.715T>G on transcript NM_004655.4 (MANE Select); coding-DNA position 715, T replaced by G.
Protein change: p.Phe239Val; replaces phenylalanine 239 with valine.
Molecular consequence: missense variant.
Genome position (GRCh38, 1-based): chr17:65,557,906, A>C on the plus strand (T>G on the coding strand, the complement: AXIN2 is on the minus strand). VCF-style: chr17-65557906-A-C. GRCh37 (hg19) VCF-style: chr17-63554024-A-C.
Other names: c.715T>G, p.Phe239Val (NM_001363813.1); short protein forms F239V.
Identifiers: ClinVar variation 1402227 (VCV001402227.8), dbSNP rs2044294504, ClinGen allele CA400680420.

ClinVar aggregate classification (germline): Uncertain significance. Review status: criteria provided, multiple submitters, no conflicts (2 of 4 stars). 2 submissions from 2 submitters: Uncertain significance (2). Last evaluated 2022-01-31.

Conditions:
Hereditary cancer-predisposing syndrome. Also called: Hereditary neoplastic syndrome; Hereditary Cancer Syndrome; Neoplastic Syndromes, Hereditary; Tumor predisposition. Identifiers: Orphanet 140162, MedGen C0027672, MeSH D009386, MONDO:0015356.
Oligodontia-cancer predisposition syndrome. Also called: TOOTH AGENESIS-COLORECTAL CANCER SYNDROME. Identifiers: Orphanet 300576, MedGen C1837750, MONDO:0012075, OMIM 608615. Disease mechanism: loss of function.

Submissions (2):

Ambry Genetics
Classification: Uncertain significance for Hereditary cancer-predisposing syndrome. Last evaluated: 2022-01-31. Review status: criteria provided, single submitter. Criteria: Ambry Variant Classification Scheme 2023. Collection method: clinical testing. Allele origin: germline.
Comment: The p.F239V variant (also known as c.715T>G), located in coding exon 1 of the AXIN2 gene, results from a T to G substitution at nucleotide position 715. The phenylalanine at codon 239 is replaced by valine, an amino acid with highly similar properties. This amino acid position is conserved. In addition, the in silico prediction for this alteration is inconclusive. Since supporting evidence is limited at this time, the clinical significance of this alteration remains unclear.

Labcorp Genetics (formerly Invitae), Labcorp
Classification: Uncertain significance for Oligodontia-cancer predisposition syndrome. Last evaluated: 2021-10-29. Review status: criteria provided, single submitter. Criteria: Invitae Variant Classification Sherloc (09022015). Collection method: clinical testing. Allele origin: germline.
Comment: This sequence change replaces phenylalanine, which is neutral and non-polar, with valine, which is neutral and non-polar, at codon 239 of the AXIN2 protein (p.Phe239Val). This variant is not present in population databases (gnomAD no frequency). This variant has not been reported in the literature in individuals affected with AXIN2-related conditions. Algorithms developed to predict the effect of missense changes on protein structure and function are either unavailable or do not agree on the potential impact of this missense change (SIFT: "Deleterious"; PolyPhen-2: "Benign"; Align-GVGD: "Class C0"). In summary, the available evidence is currently insufficient to determine the role of this variant in disease. Therefore, it has been classified as a Variant of Uncertain Significance.